The following is an entry in ClinVar:

NM_003000.3(SDHB):c.729C>T (p.Cys243=)

Gene: SDHB (succinate dehydrogenase complex iron sulfur subunit B; minus strand). Cytogenetic location: 1p36.13.
Variant type: single nucleotide variant.
Coding change: c.729C>T on transcript NM_003000.3 (MANE Select); coding-DNA position 729, C replaced by T.
Protein change: p.Cys243=; no amino-acid change (cysteine 243 retained).
Molecular consequence: synonymous variant.
Genome position (GRCh38, 1-based): chr1:17,022,644, G>A on the plus strand (C>T on the coding strand, the complement: SDHB is on the minus strand). VCF-style: chr1-17022644-G-A. GRCh37 (hg19) VCF-style: chr1-17349139-G-A.
Other names: c.675C>T, p.Cys225= (NM_001407361.1).
Identifiers: ClinVar variation 2948839 (VCV002948839.5), dbSNP rs2101513669, ClinGen allele CA416081854.

ClinVar aggregate classification (germline): Benign/Likely benign. Review status: criteria provided, multiple submitters, no conflicts (2 of 4 stars). 3 submissions from 3 submitters: Benign (1); Likely benign (2). Last evaluated 2025-03-13.

Conditions:
Pheochromocytoma/paraganglioma syndrome 4. Also called: CAROTID BODY TUMORS AND MULTIPLE EXTRAADRENAL PHEOCHROMOCYTOMAS; PARAGANGLIOMA, FAMILIAL MALIGNANT; PARAGANGLIOMAS, HEREDITARY EXTRAADRENAL; PHEOCHROMOCYTOMA, FAMILIAL EXTRAADRENAL; Paragangliomas 4; SDHB-Related Hereditary Paraganglioma-Pheochromocytoma Syndrome (Paragangliomas 4). Identifiers: Orphanet 29072, MedGen C1861848, MONDO:0007273, OMIM 115310.
Pheochromocytoma. Also called: MAX-Related Hereditary Paraganglioma-Pheochromocytoma Syndrome. Identifiers: Orphanet 29072, MedGen C0031511, MONDO:0008233, OMIM 171300, HP:0002666.
Gastrointestinal stromal tumor. Also called: Gastrointestinal stromal tumor, somatic; Gastrointestinal stroma tumor. Identifiers: Orphanet 44890, MedGen C0238198, MeSH D046152, MONDO:0011719, OMIM 606764, HP:0100723.
Hereditary cancer-predisposing syndrome. Also called: Neoplastic Syndromes, Hereditary; Hereditary neoplastic syndrome; Tumor predisposition; Hereditary Cancer Syndrome. Identifiers: Orphanet 140162, MedGen C0027672, MeSH D009386, MONDO:0015356.

Submissions (3):

Myriad Genetics, Inc.
Classification: Benign for Pheochromocytoma/paraganglioma syndrome 4. Last evaluated: 2025-03-13. Review status: criteria provided, single submitter. Criteria: Myriad Autosomal Dominant, Autosomal Recessive and X-Linked Classification Criteria (2023). Collection method: clinical testing. Allele origin: unknown.
Comment: This variant is considered benign. This variant is a silent/synonymous amino acid change and it is not expected to impact splicing.

Ambry Genetics
Classification: Likely benign for Hereditary cancer-predisposing syndrome. Last evaluated: 2024-12-21. Review status: criteria provided, single submitter. Criteria: Ambry Variant Classification Scheme 2023. Collection method: clinical testing. Allele origin: germline.

Labcorp Genetics (formerly Invitae), Labcorp
Classification: Likely benign for Gastrointestinal stromal tumor; Pheochromocytoma/paraganglioma syndrome 4; Pheochromocytoma. Last evaluated: 2023-11-09. Review status: criteria provided, single submitter. Criteria: Invitae Variant Classification Sherloc (09022015). Collection method: clinical testing. Allele origin: germline.